The following is an entry in ClinVar:

NM_000322.5(PRPH2):c.581+1G>C

Gene: PRPH2 (peripherin 2; minus strand). Cytogenetic location: 6p21.1.
Variant type: single nucleotide variant.
Coding change: c.581+1G>C on transcript NM_000322.5 (MANE Select); the canonical splice donor site of the intron after coding-DNA position 581, G replaced by C.
Molecular consequence: splice donor variant.
Genome position (GRCh38, 1-based): chr6:42,721,753, C>G on the plus strand (G>C on the coding strand, the complement: PRPH2 is on the minus strand). VCF-style: chr6-42721753-C-G. GRCh37 (hg19) VCF-style: chr6-42689491-C-G.
Identifiers: ClinVar variation 1175261 (VCV001175261.6), dbSNP rs1761904690, ClinGen allele CA364137087.

ClinVar aggregate classification (germline): Pathogenic. Review status: criteria provided, single submitter (1 of 4 stars). 2 submissions from 2 submitters: Pathogenic (1). 1 of the submissions does not count toward it. Last evaluated 2025-04-10.

Conditions:
PRPH2-related disorder. Also called: PRPH2-related disorders; PRPH2-related condition. Identifiers: MedGen CN239395.

Submissions (2):

Labcorp Genetics (formerly Invitae), Labcorp
Classification: Pathogenic for PRPH2-related disorder. Last evaluated: 2025-04-10. Review status: criteria provided, single submitter. Criteria: Invitae Variant Classification Sherloc (09022015). Collection method: clinical testing. Allele origin: germline.
Comment: This sequence change affects a donor splice site in intron 1 of the PRPH2 gene. It is expected to disrupt RNA splicing. Variants that disrupt the donor or acceptor splice site typically lead to a loss of protein function (PMID: 16199547), and loss-of-function variants in PRPH2 are known to be pathogenic (PMID: 8111389, 8485575, 8485576, 8675410, 16916875, 17504850, 22863181, 25675413, 26061163, 27365499, 29555955, 33546218). This variant is not present in population databases (gnomAD no frequency). Disruption of this splice site has been observed in individual(s) with clinical features of autosomal dominant pattern dystrophy (PMID: 16340530). It has also been observed to segregate with disease in related individuals. This variant is also known as IVS1+1 G>C. ClinVar contains an entry for this variant (Variation ID: 1175261). Algorithms developed to predict the effect of sequence changes on RNA splicing suggest that this variant may disrupt the consensus splice site. For these reasons, this variant has been classified as Pathogenic.

Leiden Open Variation Database
Classification: Pathogenic. Last evaluated: 2021-04-06. Review status: no assertion criteria provided. Collection method: curation. Allele origin: germline. Affected: yes. Not counted in ClinVar's aggregate classification.
Comment: Curator: Global Variome, with Curator vacancy. Submitter to LOVD: Manon Peeters.

Literature cited by the submitters: PubMed 16199547 (cited by Labcorp Genetics (formerly Invitae), Labcorp); PubMed 8111389 (cited by Labcorp Genetics (formerly Invitae), Labcorp); PubMed 8485575 (cited by Labcorp Genetics (formerly Invitae), Labcorp); PubMed 8485576 (cited by Labcorp Genetics (formerly Invitae), Labcorp); PubMed 8675410 (cited by Labcorp Genetics (formerly Invitae), Labcorp); PubMed 16916875 (cited by Labcorp Genetics (formerly Invitae), Labcorp); PubMed 17504850 (cited by Labcorp Genetics (formerly Invitae), Labcorp); PubMed 22863181 (cited by Labcorp Genetics (formerly Invitae), Labcorp); PubMed 25675413 (cited by Labcorp Genetics (formerly Invitae), Labcorp); PubMed 26061163 (cited by Labcorp Genetics (formerly Invitae), Labcorp); PubMed 27365499 (cited by Labcorp Genetics (formerly Invitae), Labcorp); PubMed 29555955 (cited by Labcorp Genetics (formerly Invitae), Labcorp); PubMed 33546218 (cited by Labcorp Genetics (formerly Invitae), Labcorp); PubMed 16340530 (cited by Labcorp Genetics (formerly Invitae), Labcorp and Leiden Open Variation Database).